The following is an entry in ClinVar:

ClinVar aggregate classification (germline): Likely pathogenic (1 of 4 stars; one submission).

Conditions:
Deficiency of alpha-mannosidase (MANSA). Also called: Mannosidosis, alpha-, types I and II; LYSOSOMAL ALPHA-D-MANNOSIDASE DEFICIENCY; Alpha-Mannosidosis. Identifiers: Orphanet 61, MedGen C0024748, MONDO:0009561, OMIM 248500.

Submission:

Myriad Genetics, Inc.
Classification: Likely pathogenic for Deficiency of alpha-mannosidase. Last evaluated: 2021-12-17. Review status: criteria provided, single submitter. Criteria: Myriad Women's Health Autosomal Recessive and X-Linked Classification Criteria (2021). Collection method: clinical testing. Allele origin: unknown.
Comment: NM_000528.3(MAN2B1):c.628C>T(Q210*) is expected to be pathogenic in the context of alpha-mannosidosis. This variant is predicted to lead to an abnormal or absent protein product due to the creation of a premature termination codon in MAN2B1, a gene where loss-of-function variants are known to be pathogenic. Please note: this variant was assessed in the context of healthy population screening.

NM_000528.4(MAN2B1):c.628C>T (p.Gln210Ter)

Gene: MAN2B1 (mannosidase alpha class 2B member 1; minus strand). Cytogenetic location: 19p13.13.
Variant type: single nucleotide variant.
Coding change: c.628C>T on transcript NM_000528.4 (MANE Select); coding-DNA position 628, C replaced by T.
Protein change: p.Gln210Ter; replaces glutamine 210 with a stop codon.
Molecular consequence: nonsense.
Genome position (GRCh38, 1-based): chr19:12,664,794, G>A on the plus strand (C>T on the coding strand, the complement: MAN2B1 is on the minus strand). VCF-style: chr19-12664794-G-A. GRCh37 (hg19) VCF-style: chr19-12775608-G-A.
Other names: c.628C>T, p.Gln210Ter (NM_001173498.2); short protein forms Q210*.
Identifiers: ClinVar variation 1726537 (VCV001726537.2), dbSNP rs2512514346, ClinGen allele CA404254135.